The following is an entry in ClinVar:

ClinVar aggregate classification (germline): Uncertain significance (1 of 4 stars; one submission).

Conditions:
Pseudo-Hurler polydystrophy. Also called: ML III; ML III ALPHA/BETA; MUCOLIPIDOSIS IIIA; Type III Mucolipidosis; ML IIIA; Mucolipidosis III Alpha/Beta. Identifiers: Orphanet 423461, Orphanet 577, MedGen C0033788, MONDO:0018931, OMIM 252600.
Mucolipidosis type II. Also called: ML II ALPHA/BETA; Mucolipidosis 2; ML 2; Inclusion cell disease; Leroy Disease; N-acetylglucosamine 1phosphotransferase deficiency. Identifiers: Orphanet 576, MedGen C2673377, MONDO:0009650, OMIM 252500.

Submission:

Labcorp Genetics (formerly Invitae), Labcorp
Classification: Uncertain significance for Pseudo-Hurler polydystrophy; Mucolipidosis type II. Last evaluated: 2022-06-12. Review status: criteria provided, single submitter. Criteria: Invitae Variant Classification Sherloc (09022015). Collection method: clinical testing. Allele origin: germline.
Comment: This sequence change replaces isoleucine, which is neutral and non-polar, with valine, which is neutral and non-polar, at codon 1220 of the GNPTAB protein (p.Ile1220Val). This variant is not present in population databases (gnomAD no frequency). In summary, the available evidence is currently insufficient to determine the role of this variant in disease. Therefore, it has been classified as a Variant of Uncertain Significance. Advanced modeling of protein sequence and biophysical properties (such as structural, functional, and spatial information, amino acid conservation, physicochemical variation, residue mobility, and thermodynamic stability) performed at Invitae indicates that this missense variant is not expected to disrupt GNPTAB protein function. This variant has not been reported in the literature in individuals affected with GNPTAB-related conditions.

NM_024312.5(GNPTAB):c.3658A>G (p.Ile1220Val)

Gene: GNPTAB (N-acetylglucosamine-1-phosphate transferase subunits alpha and beta; minus strand). Cytogenetic location: 12q23.2.
Variant type: single nucleotide variant.
Coding change: c.3658A>G on transcript NM_024312.5 (MANE Select); coding-DNA position 3658, A replaced by G.
Protein change: p.Ile1220Val; replaces isoleucine 1220 with valine.
Molecular consequence: missense variant.
Genome position (GRCh38, 1-based): chr12:101,749,136, T>C on the plus strand (A>G on the coding strand, the complement: GNPTAB is on the minus strand). VCF-style: chr12-101749136-T-C. GRCh37 (hg19) VCF-style: chr12-102142914-T-C.
Other names: short protein forms I1220V.
Identifiers: ClinVar variation 1414596 (VCV001414596.6), dbSNP rs2137097771, ClinGen allele CA386291689.